The following is an entry in ClinVar:

NM_001129820.2(SLFN14):c.659T>A (p.Val220Asp)

Gene: SLFN14 (schlafen family member 14; minus strand). Cytogenetic location: 17q12.
Variant type: single nucleotide variant.
Coding change: c.659T>A on transcript NM_001129820.2 (MANE Select); coding-DNA position 659, T replaced by A.
Protein change: p.Val220Asp; replaces valine 220 with aspartic acid.
Molecular consequence: missense variant.
Genome position (GRCh38, 1-based): chr17:35,557,404, A>T on the plus strand (T>A on the coding strand, the complement: SLFN14 is on the minus strand). VCF-style: chr17-35557404-A-T. GRCh37 (hg19) VCF-style: chr17-33884423-A-T.
Other names: short protein forms V220D.
Identifiers: ClinVar variation 225533 (VCV000225533.6), dbSNP rs869320714, ClinGen allele CA358900.

ClinVar aggregate classification (germline): Likely pathogenic. Review status: criteria provided, single submitter (1 of 4 stars). 4 submissions from 4 submitters: Likely pathogenic (1). 3 of the submissions do not count toward it. Last evaluated 2024-09-13.

Conditions:
Bleeding and platelet disorders.
Platelet-type bleeding disorder 20 (BDPLT20). Identifiers: Orphanet 466806, MedGen C4310797, MONDO:0014830, OMIM 616913.
Thrombocytopenia. Identifiers: MedGen C0040034, MeSH D013921, MONDO:0002049, HP:0001873.
Abnormal bleeding. Also called: Bleeding diathesis. Identifiers: MedGen C1458140, HP:0001892.

Submissions (4):

North West Genomic Laboratory Hub, Manchester University NHS Foundation Trust
Classification: Likely pathogenic for Bleeding and platelet disorders. Last evaluated: 2024-09-13. Review status: criteria provided, single submitter. Criteria: ACGS Best Practice Guidelines for Variant Classification in Rare Disease 2020. Collection method: clinical testing. Allele origin: germline. Affected: yes.
Comment: PP1_Str PS3_Supp PM2_Mod PS4_Supp

OMIM
Classification: Pathogenic for BLEEDING DISORDER, PLATELET-TYPE, 20. Last evaluated: 2023-11-02. Review status: no assertion criteria provided. Collection method: literature only. Allele origin: germline. Not counted in ClinVar's aggregate classification.

ISTH-SSC Genomics in Thrombosis and Hemostasis, KU Leuven, Center for Molecular and Vascular Biology
Classification: Likely pathogenic for Platelet-type bleeding disorder 20. Review status: no assertion criteria provided. Collection method: research. Allele origin: unknown. Affected: yes. Not counted in ClinVar's aggregate classification.
Comment: Submitted to GoldVariant by Dr Karyn Mégy from NIHR Bioresource - Cambridge University, UK

NIHR Bioresource Rare Diseases, University of Cambridge
Classification: Likely pathogenic for Thrombocytopenia; Abnormal bleeding. Review status: no assertion criteria provided. Collection method: research. Allele origin: unknown. Affected: yes. Observed: 1 variant allele. Not counted in ClinVar's aggregate classification.

Literature cited by the submitters: PubMed 26280575 (cited by OMIM); PubMed 32581362 (cited by NIHR Bioresource Rare Diseases, University of Cambridge).